The following is an entry in ClinVar:

ClinVar aggregate classification (germline): Uncertain significance (1 of 4 stars; one submission).

Conditions:
Ataxia-telangiectasia syndrome (AT). Also called: ATAXIA-TELANGIECTASIA, COMPLEMENTATION GROUP A; ATAXIA-TELANGIECTASIA, FRESNO VARIANT; Ataxia-telangiectasia; Ataxia-telangiectasia, complementation group D; Ataxia-telangiectasia, complementation group E; Ataxia telangiectasia (A-T). Identifiers: Orphanet 100, MedGen C0004135, MONDO:0008840, OMIM 208900.

Submission:

Labcorp Genetics (formerly Invitae), Labcorp
Classification: Uncertain significance for Ataxia-telangiectasia syndrome. Last evaluated: 2021-11-23. Review status: criteria provided, single submitter. Criteria: Invitae Variant Classification Sherloc (09022015). Collection method: clinical testing. Allele origin: germline.
Comment: This sequence change replaces glutamic acid, which is acidic and polar, with alanine, which is neutral and non-polar, at codon 1822 of the ATM protein (p.Glu1822Ala). This variant is not present in population databases (gnomAD no frequency). This variant has not been reported in the literature in individuals affected with ATM-related conditions. Advanced modeling of protein sequence and biophysical properties (such as structural, functional, and spatial information, amino acid conservation, physicochemical variation, residue mobility, and thermodynamic stability) performed at Invitae indicates that this missense variant is not expected to disrupt ATM protein function. In summary, the available evidence is currently insufficient to determine the role of this variant in disease. Therefore, it has been classified as a Variant of Uncertain Significance.

NM_000051.4(ATM):c.5465A>C (p.Glu1822Ala)

Gene: ATM (ATM serine/threonine kinase; plus strand). Cytogenetic location: 11q22.3.
Variant type: single nucleotide variant.
Coding change: c.5465A>C on transcript NM_000051.4 (MANE Select); coding-DNA position 5465, A replaced by C.
Protein change: p.Glu1822Ala; replaces glutamic acid 1822 with alanine.
Molecular consequence: missense variant.
Genome position (GRCh38, 1-based): chr11:108,302,998, A>C. VCF-style: chr11-108302998-A-C. GRCh37 (hg19) VCF-style: chr11-108173725-A-C.
Other names: c.5465A>C, p.Glu1822Ala (NM_001351834.2); short protein forms E1822A.
Identifiers: ClinVar variation 1353032 (VCV001353032.6), dbSNP rs2135930592, ClinGen allele CA382544352.